The following is an entry in ClinVar:

NM_000081.4(LYST):c.5431A>G (p.Thr1811Ala)

Gene: LYST (lysosomal trafficking regulator; minus strand). Cytogenetic location: 1q42.3.
Variant type: single nucleotide variant.
Coding change: c.5431A>G on transcript NM_000081.4 (MANE Select); coding-DNA position 5431, A replaced by G.
Protein change: p.Thr1811Ala; replaces threonine 1811 with alanine.
Molecular consequence: missense variant.
Genome position (GRCh38, 1-based): chr1:235,777,092, T>C on the plus strand (A>G on the coding strand, the complement: LYST is on the minus strand). VCF-style: chr1-235777092-T-C. GRCh37 (hg19) VCF-style: chr1-235940392-T-C.
Other names: c.5431A>G, p.Thr1811Ala (NM_001301365.1); short protein forms T1811A.
Identifiers: ClinVar variation 4084110 (VCV004084110.8).

ClinVar aggregate classification (germline): Uncertain significance (1 of 4 stars; one submission).

gnomAD v4.1: 6 of 1,613,584 alleles (0.00037%); highest among the groups gnomAD compares: Non-Finnish European, 0.00051%; no homozygotes.

Submission:

CeGaT Center for Human Genetics Tuebingen
Classification: Uncertain significance. Last evaluated: 2025-06-01. Review status: criteria provided, single submitter. Criteria: CeGaT Center For Human Genetics Tuebingen Variant Classification Criteria Version 2. Collection method: clinical testing. Allele origin: germline. Affected: yes. Observed: 1 variant allele.
Comment: LYST: PM2, BP4